The following is an entry in ClinVar:

ClinVar aggregate classification (germline): Uncertain significance (1 of 4 stars; one submission).

Submission:

GeneDx
Classification: Uncertain significance. Last evaluated: 2016-05-20. Review status: criteria provided, single submitter. Criteria: GeneDx Variant Classification (06012015). Collection method: clinical testing. Allele origin: germline. Affected: yes.
Comment: This variant is denoted ATM c.7742G>A at the cDNA level, p.Ser2581Asn (S2581N) at the protein level, and results in the change of a Serine to an Asparagine (AGC>AAC). This variant was observed in individuals with Ataxia Telangiectasia, however it was not shown to segregate with disease in family members and, in at least one instance, was observed in addition to two truncating variants in an affected individual (Laake 2000). ATM Ser2581Asn was not observed in approximately 6,500 individuals of European and African American ancestry in the NHLBI Exome Sequencing Project, suggesting it is not a common benign variant in these populations. Since Serine and Asparagine share similar properties, this is considered a conservative amino acid substitution. ATM Ser2581Asn occurs at a position that is not conserved and is not located in a known functional domain (Tavtigian 2009, Stracker 2013). In silico analyses are inconsistent regarding the effect this variant may have on protein structure and function. Based on currently available evidence, it is unclear whether ATM Ser2581Asn is a pathogenic or benign variant. We consider it to be a variant of uncertain significance.

NM_000051.4(ATM):c.7742G>A (p.Ser2581Asn)

Genes: ATM (ATM serine/threonine kinase; plus strand), C11orf65 (chromosome 11 open reading frame 65; minus strand). Cytogenetic location: 11q22.3.
Variant type: single nucleotide variant.
Coding change: c.7742G>A on transcript NM_000051.4 (MANE Select); coding-DNA position 7742, G replaced by A.
Protein change: p.Ser2581Asn; replaces serine 2581 with asparagine.
Molecular consequence: missense variant. On other transcripts: intron variant (2).
Genome position (GRCh38, 1-based): chr11:108,331,991, G>A. VCF-style: chr11-108331991-G-A. GRCh37 (hg19) VCF-style: chr11-108202718-G-A.
Other names: c.7742G>A, p.Ser2581Asn (NM_001351834.2); c.641-22920C>T (NM_001330368.2); c.*38+3229C>T (NM_001351110.2); short protein forms S2581N.
Identifiers: ClinVar variation 421276 (VCV000421276.4), dbSNP rs1064795028, ClinGen allele CA16619240.